The following is an entry in ClinVar:

NM_015386.3(COG4):c.149A>T (p.Tyr50Phe)

Gene: COG4 (component of oligomeric golgi complex 4; minus strand). Cytogenetic location: 16q22.1.
Variant type: single nucleotide variant.
Coding change: c.149A>T on transcript NM_015386.3 (MANE Select); coding-DNA position 149, A replaced by T.
Protein change: p.Tyr50Phe; replaces tyrosine 50 with phenylalanine.
Molecular consequence: missense variant. On other transcripts: 5 prime UTR variant (1), non-coding transcript variant (1).
Genome position (GRCh38, 1-based): chr16:70,523,395, T>A on the plus strand (A>T on the coding strand, the complement: COG4 is on the minus strand). VCF-style: chr16-70523395-T-A. GRCh37 (hg19) VCF-style: chr16-70557298-T-A.
Other names: c.137A>T, p.Tyr46Phe (NM_001195139.2); c.-451A>T (NM_001365426.1); short protein forms Y46F, Y50F.
Identifiers: ClinVar variation 2636371 (VCV002636371.1), dbSNP rs2507568329, ClinGen allele CA396581168.

ClinVar aggregate classification (germline): Uncertain significance (1 of 4 stars; one submission).

Conditions:
COG4-related disorder. Also called: COG4-related condition.

Allele frequency attached by ClinVar (database versions not stated): gnomAD exomes below 0.00001.
gnomAD v4.1: 2 of 1,614,182 alleles (0.00012%); highest among the groups gnomAD compares: South Asian, 0.0011%; no homozygotes.

Submission:

PreventionGenetics, part of Exact Sciences
Classification: Uncertain significance for COG4-related condition. Last evaluated: 2023-03-22. Review status: criteria provided, single submitter. Criteria: ACMG Guidelines, 2015. Collection method: clinical testing. Allele origin: germline.
Comment: The COG4 c.149A>T variant is predicted to result in the amino acid substitution p.Tyr50Phe. To our knowledge, this variant has not been reported in the literature or in a large population database, indicating this variant is rare. At this time, the clinical significance of this variant is uncertain due to the absence of conclusive functional and genetic evidence.